The following is an entry in ClinVar:

ClinVar aggregate classification (germline): Benign/Likely benign. Review status: criteria provided, multiple submitters, no conflicts (2 of 4 stars). 4 submissions from 4 submitters: Benign (2); Likely benign (2). Last evaluated 2026-07-01.

Conditions:
CDH11-related disorder. Also called: CDH11-related condition.

Allele frequency attached by ClinVar (database versions not stated): gnomAD 0.00025 and 0.00042; gnomAD exomes 0.00028 and 0.00099; TOPMed 0.00051; ExAC 0.00118; 1000 Genomes Project 0.00379.
gnomAD v4.1: 527 of 1,598,192 alleles (0.033%); highest among the groups gnomAD compares: East Asian, 0.98%; 4 homozygotes.

Submissions (4):

CeGaT Center for Human Genetics Tuebingen
Classification: Likely benign. Last evaluated: 2026-07-01. Review status: criteria provided, single submitter. Criteria: CeGaT Center For Human Genetics Tuebingen Variant Classification Criteria Version 2. Collection method: clinical testing. Allele origin: germline. Affected: yes. Observed: 3 variant alleles.
Comment: CDH11: BP4, BP7

PreventionGenetics, part of Exact Sciences
Classification: Benign for CDH11-related condition. Last evaluated: 2025-06-05. Review status: criteria provided, single submitter. Criteria: ACMG Guidelines, 2015. Collection method: clinical testing. Allele origin: germline.
Comment: This variant is classified as benign based on ACMG/AMP sequence variant interpretation guidelines (Richards et al. 2015 PMID: 25741868, with internal and published modifications).

Blueprint Genetics
Classification: Likely benign. Last evaluated: 2024-10-28. Review status: criteria provided, single submitter. Criteria: ACMG Guidelines, 2015. Collection method: clinical testing. Allele origin: germline.

Labcorp Genetics (formerly Invitae), Labcorp
Classification: Benign. Last evaluated: 2019-12-31. Review status: criteria provided, single submitter. Criteria: Invitae Variant Classification Sherloc (09022015). Collection method: clinical testing. Allele origin: germline.

NM_001797.4(CDH11):c.87G>A (p.Gly29=)

Gene: CDH11 (cadherin 11; minus strand). Cytogenetic location: 16q21.
Variant type: single nucleotide variant.
Coding change: c.87G>A on transcript NM_001797.4 (MANE Select); coding-DNA position 87, G replaced by A.
Protein change: p.Gly29=; no amino-acid change (glycine 29 retained).
Molecular consequence: synonymous variant. On other transcripts: intron variant (1).
Genome position (GRCh38, 1-based): chr16:65,004,783, C>T on the plus strand (G>A on the coding strand, the complement: CDH11 is on the minus strand). VCF-style: chr16-65004783-C-T. GRCh37 (hg19) VCF-style: chr16-65038686-C-T.
Other names: c.87G>A, p.Gly29= (NM_001308392.2); c.-150-5927G>A (NM_001330576.2).
Identifiers: ClinVar variation 713162 (VCV000713162.16), dbSNP rs2303766, ClinGen allele CA8092477.
Genomic context (GRCh38, chr16:65,004,783, plus strand): 5'-CTGTAGCACCTGCCCCTCCTTGCCCTTCTCATGGTGCCCATGGAAGGAGGGCCGCAGGTG[C>T]CCCCGCCGCTCTGGGGCAAAGGCATGGCTGTGGCACAGCATGCCCAGGCACACCAGGGCG-3'
Protein context (NP_001788.2, residues 19-39): HSHAFAPERR[Gly29=]HLRPSFHGHH